The following is an entry in ClinVar:

NM_006270.5(RRAS):c.533A>C (p.Asn178Thr)

Gene: RRAS (RAS related; minus strand). Cytogenetic location: 19q13.33.
Variant type: single nucleotide variant.
Coding change: c.533A>C on transcript NM_006270.5 (MANE Select); coding-DNA position 533, A replaced by C.
Protein change: p.Asn178Thr; replaces asparagine 178 with threonine.
Molecular consequence: missense variant.
Genome position (GRCh38, 1-based): chr19:49,635,773, T>G on the plus strand (A>C on the coding strand, the complement: RRAS is on the minus strand). VCF-style: chr19-49635773-T-G. GRCh37 (hg19) VCF-style: chr19-50139030-T-G.
Other names: short protein forms N178T.
Identifiers: ClinVar variation 2962737 (VCV002962737.3), dbSNP rs762794552, ClinGen allele CA406845716.

ClinVar aggregate classification (germline): Uncertain significance (1 of 4 stars; one submission).

Conditions:
Noonan syndrome (NS). Also called: Noonan's syndrome. Identifiers: Orphanet 648, MedGen C0028326, MeSH D009634, MONDO:0018997. Disease mechanism: gain of function.

Submission:

Labcorp Genetics (formerly Invitae), Labcorp
Classification: Uncertain significance for Noonan syndrome. Last evaluated: 2025-06-12. Review status: criteria provided, single submitter. Criteria: Invitae Variant Classification Sherloc (09022015). Collection method: clinical testing. Allele origin: germline.
Comment: This sequence change replaces asparagine, which is neutral and polar, with threonine, which is neutral and polar, at codon 178 of the RRAS protein (p.Asn178Thr). This variant is not present in population databases (gnomAD no frequency). This variant has not been reported in the literature in individuals affected with RRAS-related conditions. ClinVar contains an entry for this variant (Variation ID: 2962737). An algorithm developed to predict the effect of missense changes on protein structure and function (PolyPhen-2) suggests that this variant is likely to be disruptive. In summary, the available evidence is currently insufficient to determine the role of this variant in disease. Therefore, it has been classified as a Variant of Uncertain Significance.